The following is an entry in ClinVar:

NM_000232.5(SGCB):c.37del (p.Ser13fs)

Gene: SGCB (sarcoglycan beta; minus strand). Cytogenetic location: 4q12.
Variant type: Deletion.
Coding change: c.37del on transcript NM_000232.5 (MANE Select); coding-DNA position 37, one base deleted (A; older notation c.37delA).
Protein change: p.Ser13fs; shifts the reading frame from serine 13.
Molecular consequence: frameshift variant.
Genome position (GRCh38, 1-based): chr4:52,033,637, T deleted on the plus strand (A on the coding strand, the reverse complement: SGCB is on the minus strand); the first of 3 consecutive T bases (chr4:52,033,637-52,033,639); deleting any one gives the same sequence. VCF-style (leftmost placement, unchanged base first): chr4-52033636-CT-C. GRCh37 (hg19) VCF-style: chr4-52899802-CT-C.
Other names: short protein forms S13fs.
Identifiers: ClinVar variation 1947827 (VCV001947827.5), dbSNP rs2475230634, ClinGen allele CA2509413572.
Genomic context (GRCh38, chr4:52,033,636, plus strand): 5'-TTGACACTCCTTCTCTCAACAGCCTTCTCACGCATGGACTTCTTTACAGGACCATTGGAA[CT>C]TTGCTAAAAATGAAATACAACATAATGGAACAGCTATACCCTCTCGTTTTGGTGCATTTA-3'

ClinVar aggregate classification (germline): Pathogenic (1 of 4 stars; one submission).

Conditions:
Autosomal recessive limb-girdle muscular dystrophy type 2E (LGMDR4). Also called: MUSCULAR DYSTROPHY, LIMB-GIRDLE, AUTOSOMAL RECESSIVE 4. Identifiers: Orphanet 119, MedGen C1858593, MONDO:0011423, OMIM 604286. Disease mechanism: Affects gamma-sarcoglycan and also disrupts the integrity of the entire sarcoglycan complex..

Submission:

Labcorp Genetics (formerly Invitae), Labcorp
Classification: Pathogenic for Autosomal recessive limb-girdle muscular dystrophy type 2E. Last evaluated: 2022-03-03. Review status: criteria provided, single submitter. Criteria: Invitae Variant Classification Sherloc (09022015). Collection method: clinical testing. Allele origin: germline.
Comment: This sequence change creates a premature translational stop signal (p.Ser13Valfs*6) in the SGCB gene. It is expected to result in an absent or disrupted protein product. Loss-of-function variants in SGCB are known to be pathogenic (PMID: 15938573, 18285821). This variant is not present in population databases (gnomAD no frequency). This premature translational stop signal has been observed in individual(s) with limb-girdle muscular dystrophy 2E (PMID: 25862795). For these reasons, this variant has been classified as Pathogenic.

Literature cited by the submitters: PubMed 15938573; PubMed 18285821; PubMed 25862795.